The following is an entry in ClinVar:

ClinVar aggregate classification (germline): Uncertain significance (1 of 4 stars; one submission).

Submission:

GeneDx
Classification: Uncertain significance. Last evaluated: 2025-06-10. Review status: criteria provided, single submitter. Criteria: GeneDx Variant Classification Process June 2021. Collection method: clinical testing. Allele origin: germline. Affected: yes.
Comment: Not observed at significant frequency in large population cohorts (gnomAD); In silico analysis suggests that this missense variant does not alter protein structure/function; Has not been previously published as pathogenic or benign to our knowledge

NM_001039591.3(USP9X):c.3166A>G (p.Lys1056Glu)

Gene: USP9X (ubiquitin specific peptidase 9 X-linked; plus strand). Cytogenetic location: Xp11.4.
Variant type: single nucleotide variant.
Coding change: c.3166A>G on transcript NM_001039591.3 (MANE Select); coding-DNA position 3166, A replaced by G.
Protein change: p.Lys1056Glu; replaces lysine 1056 with glutamic acid.
Molecular consequence: missense variant.
Genome position (GRCh38, 1-based): chrX:41,184,015, A>G. VCF-style: chrX-41184015-A-G. GRCh37 (hg19) VCF-style: chrX-41043268-A-G.
Other names: c.3166A>G, p.Lys1056Glu (NM_001039590.3); c.3181A>G, p.Lys1061Glu (NM_001410748.1, NM_001410749.1, NM_001437534.1); short protein forms K1056E, K1061E.
Identifiers: ClinVar variation 4538083 (VCV004538083.1).